The following is an entry in ClinVar:

ClinVar aggregate classification (germline): Pathogenic (1 of 4 stars; one submission).

Submission:

CeGaT Center for Human Genetics Tuebingen
Classification: Pathogenic. Last evaluated: 2023-08-01. Review status: criteria provided, single submitter. Criteria: CeGaT Center For Human Genetics Tuebingen Variant Classification Criteria Version 2. Collection method: clinical testing. Allele origin: germline. Affected: yes. Observed: 1 variant allele.
Comment: OTOGL: PVS1, PM2

NM_001378609.3(OTOGL):c.3675del (p.Ser1226fs)

Gene: OTOGL (otogelin like; plus strand). Cytogenetic location: 12q21.31.
Variant type: Deletion.
Coding change: c.3675del on transcript NM_001378609.3 (MANE Select); coding-DNA position 3675, one base deleted (G; older notation c.3675delG).
Protein change: p.Ser1226fs; shifts the reading frame from serine 1226.
Molecular consequence: frameshift variant.
Genome position (GRCh38, 1-based): chr12:80,318,586, G deleted. VCF-style (leftmost placement, unchanged base first): chr12-80318585-AG-A. GRCh37 (hg19) VCF-style: chr12-80712365-AG-A.
Other names: c.3540del, p.Ser1181fs (NM_001368062.3); c.3675del, p.Ser1226fs (NM_001378610.3, NM_173591.7); short protein forms S1181fs, S1226fs.
Identifiers: ClinVar variation 2578689 (VCV002578689.25), dbSNP rs2541228873, ClinGen allele CA2580617851.